The following is an entry in ClinVar:

ClinVar aggregate classification (germline): Uncertain significance (1 of 4 stars; one submission).

Conditions:
Autoimmune interstitial lung disease-arthritis syndrome. Also called: Autoinflammation and autoimmunity, systemic, with immune dysregulation. Identifiers: Orphanet 444092, MedGen C5975714, MONDO:0014629.

Allele frequency attached by ClinVar (database versions not stated): gnomAD exomes 0.00001; TOPMed 0.00002; ESP Exome Variant Server 0.00008; gnomAD 0.00001.
gnomAD v4.1: 19 of 1,613,350 alleles (0.0012%); highest among the groups gnomAD compares: Non-Finnish European, 0.0016%; no homozygotes.

Submission:

Labcorp Genetics (formerly Invitae), Labcorp
Classification: Uncertain significance for Autoimmune interstitial lung disease-arthritis syndrome. Last evaluated: 2025-06-19. Review status: criteria provided, single submitter. Criteria: Invitae Variant Classification Sherloc (09022015). Collection method: clinical testing. Allele origin: germline.
Comment: This sequence change replaces threonine, which is neutral and polar, with serine, which is neutral and polar, at codon 158 of the COPA protein (p.Thr158Ser). This variant is present in population databases (rs371954050, gnomAD 0.002%). This variant has not been reported in the literature in individuals affected with COPA-related conditions. ClinVar contains an entry for this variant (Variation ID: 1441229). Invitae Evidence Modeling of protein sequence and biophysical properties (such as structural, functional, and spatial information, amino acid conservation, physicochemical variation, residue mobility, and thermodynamic stability) indicates that this missense variant is not expected to disrupt COPA protein function with a negative predictive value of 80%. In summary, the available evidence is currently insufficient to determine the role of this variant in disease. Therefore, it has been classified as a Variant of Uncertain Significance.

NM_004371.4(COPA):c.473C>G (p.Thr158Ser)

Gene: COPA (coat protein complex I subunit alpha; minus strand). Cytogenetic location: 1q23.2.
Variant type: single nucleotide variant.
Coding change: c.473C>G on transcript NM_004371.4 (MANE Select); coding-DNA position 473, C replaced by G.
Protein change: p.Thr158Ser; replaces threonine 158 with serine.
Molecular consequence: missense variant.
Genome position (GRCh38, 1-based): chr1:160,332,471, G>C on the plus strand (C>G on the coding strand, the complement: COPA is on the minus strand). VCF-style: chr1-160332471-G-C. GRCh37 (hg19) VCF-style: chr1-160302261-G-C.
Other names: c.473C>G, p.Thr158Ser (NM_001098398.2); short protein forms T158S.
Identifiers: ClinVar variation 1441229 (VCV001441229.6), dbSNP rs371954050, ClinGen allele CA31522369.